The following is an entry in ClinVar:

NM_182476.3(COQ6):c.459T>C (p.Thr153=)

Genes: COQ6 (coenzyme Q6, monooxygenase; plus strand), ENTPD5 (ectonucleoside triphosphate diphosphohydrolase 5; minus strand). Cytogenetic location: 14q24.3.
Variant type: single nucleotide variant.
Coding change: c.459T>C on transcript NM_182476.3 (MANE Select); coding-DNA position 459, T replaced by C.
Protein change: p.Thr153=; no amino-acid change (threonine 153 retained).
Molecular consequence: synonymous variant. On other transcripts: missense variant (2), intron variant (3).
Genome position (GRCh38, 1-based): chr14:73,955,906, T>C. VCF-style: chr14-73955906-T-C. GRCh37 (hg19) VCF-style: chr14-74422609-T-C.
Other names: c.459T>C, p.Thr153= (NM_001425255.1, NM_001425256.1); c.294T>C, p.Thr98= (NM_001425257.1); c.384T>C, p.Thr128= (NM_001425258.1, NM_182480.3); c.234T>C, p.Thr78= (NM_001425259.1, NM_001425260.1, NM_001425261.1); c.132T>C, p.Thr44= (NM_001425263.1); c.50T>C, p.Leu17Pro (NM_001425264.1, NM_001425265.1); c.357+397T>C (NM_001425262.1); c.1201-319A>G (NM_001382258.1); and 1 more.
Identifiers: ClinVar variation 510062 (VCV000510062.3), dbSNP rs199642294, ClinGen allele CA7264176.

ClinVar aggregate classification (germline): Likely benign. Review status: criteria provided, multiple submitters, no conflicts (2 of 4 stars). 2 submissions from 2 submitters: Likely benign (2). Last evaluated 2025-10-17.

Allele frequency attached by ClinVar (database versions not stated): gnomAD 0.00002 and 0.00001; TOPMed 0.00002; gnomAD exomes 0.00005 and 0.00001; 1000 Genomes Project 0.00020; ExAC 0.00005; 1000 Genomes Project 30x 0.00031.
gnomAD v4.1: 12 of 1,614,190 alleles (0.00074%); highest among the groups gnomAD compares: East Asian, 0.025%; no homozygotes.

Submissions (2):

Labcorp Genetics (formerly Invitae), Labcorp
Classification: Likely benign. Last evaluated: 2025-10-17. Review status: criteria provided, single submitter. Criteria: Invitae Variant Classification Sherloc (09022015). Collection method: clinical testing. Allele origin: germline.

GeneDx
Classification: Likely benign. Last evaluated: 2017-06-20. Review status: criteria provided, single submitter. Criteria: GeneDx Variant Classification (06012015). Collection method: clinical testing. Allele origin: germline. Affected: yes.
Comment: This variant is considered likely benign or benign based on one or more of the following criteria: it is a conservative change, it occurs at a poorly conserved position in the protein, it is predicted to be benign by multiple in silico algorithms, and/or has population frequency not consistent with disease.